The following is an entry in ClinVar:

NM_005996.4(TBX3):c.-895TC[21]

Genes: TBX3 (T-box transcription factor 3; minus strand), TBX3-AS1 (TBX3 antisense RNA 1; plus strand). Cytogenetic location: 12q24.21.
Variant type: Microsatellite.
Coding change: c.-895TC[21] on transcript NM_005996.4 (MANE Select); 21 copies in a row of the 2-base unit TC starting at c.-895; the reference has 12 copies in a row; nine copies, 18 bases duplicated.
Molecular consequence: 5 prime UTR variant.
Genome position (GRCh38, 1-based): chr12:114,684,072-114,684,089, GAGAGAGAGAGAGAGAGA duplicated on the plus strand (TCTCTCTCTCTCTCTCTC on the coding strand, the reverse complement: TBX3 is on the minus strand); duplicating any 18 consecutive bases within chr12:114,684,072-114,684,095 gives the same sequence; the position shown is the placement nearest the transcript's 3' end. VCF-style (leftmost placement, unchanged base first): chr12-114684071-G-GGAGAGAGAGAGAGAGAGA. GRCh37 (hg19) VCF-style: chr12-115121876-G-GGAGAGAGAGAGAGAGAGA.
Other names: c.-895TC[21] (NM_016569.4).
Identifiers: ClinVar variation 3354811 (VCV003354811.1).

ClinVar aggregate classification (germline): Likely benign (0 of 4 stars; one submission).

Conditions:
TBX3-related disorder. Also called: TBX3-related condition.

Submission:

PreventionGenetics, part of Exact Sciences
Classification: Likely benign for TBX3-related condition. Last evaluated: 2024-05-08. Review status: no assertion criteria provided. Collection method: clinical testing. Allele origin: germline.
Comment: This variant is classified as likely benign based on ACMG/AMP sequence variant interpretation guidelines (Richards et al. 2015 PMID: 25741868, with internal and published modifications).